The following is an entry in ClinVar:

ClinVar aggregate classification (germline): Uncertain significance. Review status: criteria provided, multiple submitters, no conflicts (2 of 4 stars). 4 submissions from 4 submitters: Uncertain significance (4). Last evaluated 2025-08-04.

Conditions:
Cenani-Lenz syndactyly syndrome. Also called: SYNDACTYLY, TYPE VII; CENANI SYNDACTYLISM. Identifiers: Orphanet 3258, MedGen C1859309, MONDO:0008931, OMIM 212780.
Congenital myasthenic syndrome 17. Identifiers: Orphanet 590, MedGen C4225377, MONDO:0014578, OMIM 616304.
Sclerosteosis 2 (SOST2). Identifiers: Orphanet 3152, MedGen C3280402, MONDO:0013679, OMIM 614305.

Allele frequency attached by ClinVar (database versions not stated): gnomAD exomes 0.00004; gnomAD 0.00005 and 0.00004; TOPMed 0.00003; ExAC 0.00004; ESP Exome Variant Server 0.00008.
gnomAD v4.1: 43 of 1,614,000 alleles (0.0027%); highest among the groups gnomAD compares: Middle Eastern, 0.016%; no homozygotes.

Submissions (4):

Dasa
Classification: Uncertain significance. Last evaluated: 2025-08-04. Review status: criteria provided, single submitter. Criteria: DASA Assertion Criteria. Collection method: clinical testing. Allele origin: germline.
Comment: NM_002334.4(LRP4):c.5653C>T (p.Arg1885*) is a nonsense variant in LRP4 predicted to introduce a premature termination codon and is predicted to result in an absent or altered protein product. This variant is rare in population databases. The currently available literature and clinical evidence are not sufficient to establish a definitive association between this variant and the reported condition. Therefore, this variant is classified as a variant of uncertain significance.

Labcorp Genetics (formerly Invitae), Labcorp
Classification: Uncertain significance for Cenani-Lenz syndactyly syndrome; Sclerosteosis 2; Congenital myasthenic syndrome 17. Last evaluated: 2022-08-16. Review status: criteria provided, single submitter. Criteria: Invitae Variant Classification Sherloc (09022015). Collection method: clinical testing. Allele origin: germline.
Comment: This sequence change creates a premature translational stop signal (p.Arg1885*) in the LRP4 gene. While this is not anticipated to result in nonsense mediated decay, it is expected to disrupt the last 21 amino acid(s) of the LRP4 protein. This variant is present in population databases (rs147138337, gnomAD 0.01%). This variant has not been reported in the literature in individuals affected with LRP4-related conditions. ClinVar contains an entry for this variant (Variation ID: 1331494). Experimental studies and prediction algorithms are not available or were not evaluated, and the functional significance of this variant is currently unknown. In summary, the available evidence is currently insufficient to determine the role of this variant in disease. Therefore, it has been classified as a Variant of Uncertain Significance.

Women's Health and Genetics/Laboratory Corporation of America, LabCorp
Classification: Uncertain significance. Last evaluated: 2021-12-28. Review status: criteria provided, single submitter. Criteria: LabCorp Variant Classification Summary - May 2015. Collection method: clinical testing. Allele origin: germline.
Comment: Variant summary: LRP4 c.5653C>T (p.Arg1885X) results in a premature termination codon, predicted to cause a truncation of the encoded protein or absence of the protein due to nonsense mediated decay, which are commonly known mechanisms for disease. Truncations downstream of this position have not been classified as pathogenic by our laboratory and have not been listed in the HGMD/LOVD databases. The variant allele was found at a frequency of 3.6e-05 in 251222 control chromosomes. The available data on variant occurrences in the general population are insufficient to allow any conclusion about variant significance. To our knowledge, no occurrence of c.5653C>T in individuals affected with LRP4-Related Disorders and no experimental evidence demonstrating its impact on protein function have been reported. No clinical diagnostic laboratories have submitted clinical-significance assessments for this variant to ClinVar after 2014. Based on the evidence outlined above, the variant was classified as uncertain significance.

Fulgent Genetics
Classification: Uncertain significance for Cenani-Lenz syndactyly syndrome; Sclerosteosis 2; Congenital myasthenic syndrome 17. Last evaluated: 2021-07-08. Review status: criteria provided, single submitter. Criteria: ACMG Guidelines, 2015. Collection method: clinical testing. Allele origin: unknown.

NM_002334.4(LRP4):c.5653C>T (p.Arg1885Ter)

Genes: LRP4 (LDL receptor related protein 4; minus strand), LRP4-AS1 (LRP4 antisense RNA 1; plus strand). Cytogenetic location: 11p11.2.
Variant type: single nucleotide variant.
Coding change: c.5653C>T on transcript NM_002334.4 (MANE Select); coding-DNA position 5653, C replaced by T.
Protein change: p.Arg1885Ter; replaces arginine 1885 with a stop codon.
Molecular consequence: nonsense.
Genome position (GRCh38, 1-based): chr11:46,859,048, G>A on the plus strand (C>T on the coding strand, the complement: LRP4 is on the minus strand). VCF-style: chr11-46859048-G-A. GRCh37 (hg19) VCF-style: chr11-46880599-G-A.
Other names: short protein forms R1885*.
Identifiers: ClinVar variation 1331494 (VCV001331494.6), dbSNP rs147138337, ClinGen allele CA5968971.